The following is an entry in ClinVar:

ClinVar aggregate classification (germline): Benign/Likely benign. Review status: criteria provided, multiple submitters, no conflicts (2 of 4 stars). 10 submissions from 9 submitters: Benign (9); Likely benign (1). Last evaluated 2026-06-02.

Conditions:
Retinal dystrophy. Also called: Inherited retinal dystrophy. Identifiers: Orphanet 71862, MedGen C0854723, MeSH D058499, MONDO:0019118, HP:0000556.
Usher syndrome type 2A. Also called: USHER SYNDROME, TYPE IIA; RETINAL DISEASE IN USHER SYNDROME TYPE IIA, MODIFIER OF. Identifiers: Orphanet 231178, Orphanet 886, MedGen C1848634, MONDO:0010169, OMIM 276901.
Retinitis pigmentosa 39 (RP39). Identifiers: Orphanet 791, MedGen C3151138, MONDO:0013436, OMIM 613809.

Allele frequency attached by ClinVar (database versions not stated): TOPMed 0.00427; ExAC 0.00468; gnomAD exomes 0.00690 and 0.00173; 1000 Genomes Project 0.00958; gnomAD 0.00214; 1000 Genomes Project 30x 0.00999; ESP Exome Variant Server 0.00031.
gnomAD v4.1: 3,528 of 1,613,720 alleles (0.22%); highest among the groups gnomAD compares: Admixed American, 5.2%; 116 homozygotes.

Submissions (10):

Women's Health and Genetics/Laboratory Corporation of America, LabCorp
Classification: Likely benign. Last evaluated: 2026-06-02. Review status: criteria provided, single submitter. Criteria: LabCorp Variant Classification Summary - May 2015. Collection method: clinical testing. Allele origin: germline.
Comment: Variant summary: USH2A c.14960C>T (p.Ala4987Val) results in a non-conservative amino acid change in the encoded protein sequence. Algorithms developed to predict the effect of missense changes on protein structure and function are either unavailable or do not agree on the potential impact of this missense change. The variant allele was found at a frequency of 0.0069 in 249782 control chromosomes, predominantly at a frequency of 0.047 within the Latino subpopulation in the gnomAD database, including 57 homozygotes. The observed variant frequency within Latino control individuals in the gnomAD database exceeds the estimated maximal expected allele frequency for disease-causing variants in USH2A. c.14960C>T has been observed in an individual with retinitis pigmentosa, without strong evidence of causality (example: Costa_2017). This report does not provide unequivocal conclusions about association of the variant with disease. To our knowledge, no experimental evidence demonstrating an impact on protein function has been reported. The following publication has been ascertained in the context of this evaluation (PMID: 28912962). ClinVar contains an entry for this variant (Variation ID: 48451). Based on the evidence outlined above, the variant was classified as likely benign.

Labcorp Genetics (formerly Invitae), Labcorp
Classification: Benign. Last evaluated: 2026-02-04. Review status: criteria provided, single submitter. Criteria: Invitae Variant Classification Sherloc (09022015). Collection method: clinical testing. Allele origin: germline.

ARUP Laboratories, Molecular Genetics and Genomics, ARUP Laboratories
Classification: Benign. Last evaluated: 2023-11-11. Review status: criteria provided, single submitter. Criteria: ARUP Molecular Germline Variant Investigation Process 2024. Collection method: clinical testing. Allele origin: germline.

Genome-Nilou Lab
Classification: Benign for Retinitis pigmentosa 39. Last evaluated: 2023-11-04. Review status: criteria provided, single submitter. Criteria: ACMG Guidelines, 2015. Collection method: clinical testing. Allele origin: germline. Affected: no.

Genome-Nilou Lab
Classification: Benign for Usher syndrome type 2A. Last evaluated: 2023-11-04. Review status: criteria provided, single submitter. Criteria: ACMG Guidelines, 2015. Collection method: clinical testing. Allele origin: germline. Affected: no.

Dept Of Ophthalmology, Nagoya University
Classification: Benign for Retinal dystrophy. Last evaluated: 2023-10-01. Review status: criteria provided, single submitter. Criteria: Submitter's publication. Collection method: research. Allele origin: germline. Affected: yes.

GeneDx
Classification: Benign. Last evaluated: 2015-03-03. Review status: criteria provided, single submitter. Criteria: GeneDx Variant Classification Process June 2021. Collection method: clinical testing. Allele origin: germline. Affected: yes.

Eurofins Ntd Llc (ga)
Classification: Benign. Last evaluated: 2015-01-12. Review status: criteria provided, single submitter. Criteria: EGL Classification Definitions 2015. Collection method: clinical testing. Allele origin: germline. Observed: 2 variant alleles, 2 heterozygotes.

Laboratory for Molecular Medicine, Mass General Brigham Personalized Medicine
Classification: Benign. Last evaluated: 2011-04-05. Review status: criteria provided, single submitter. Criteria: LMM Criteria. Collection method: clinical testing. Allele origin: germline. Observed: 31 variant alleles.
Comment: Ala4987Val in exon 68 of USH2A: This variant is not expected to have clinical si gnificance because this residue is not highly conserved across species. Of note, chicken and frog have an aspartic acid at this position. In addition, the varia nt has been identified by our laboratory in 5/223 (2.3%) probands including 3/31 (9.7%) Hispanic probands.

Breakthrough Genomics
Classification: Benign. Review status: criteria provided, single submitter. Criteria: ACMG Guidelines, 2015. Collection method: not provided. Allele origin: germline. Inheritance: Autosomal recessive inheritance. Affected: yes.

Literature cited by the submitters: PubMed 28912962 (cited by Women's Health and Genetics/Laboratory Corporation of America, LabCorp).

NM_206933.4(USH2A):c.14960C>T (p.Ala4987Val)

Gene: USH2A (usherin; minus strand). Cytogenetic location: 1q41.
Variant type: single nucleotide variant.
Coding change: c.14960C>T on transcript NM_206933.4 (MANE Select); coding-DNA position 14960, C replaced by T.
Protein change: p.Ala4987Val; replaces alanine 4987 with valine.
Molecular consequence: missense variant.
Genome position (GRCh38, 1-based): chr1:215,640,566, G>A on the plus strand (C>T on the coding strand, the complement: USH2A is on the minus strand). VCF-style: chr1-215640566-G-A. GRCh37 (hg19) VCF-style: chr1-215813908-G-A.
Other names: short protein forms A4987V.
Identifiers: ClinVar variation 48451 (VCV000048451.35), dbSNP rs111033498, ClinGen allele CA143376.